The following is an entry in ClinVar:

ClinVar aggregate classification (germline): Uncertain significance (1 of 4 stars; one submission).

Submission:

Labcorp Genetics (formerly Invitae), Labcorp
Classification: Uncertain significance. Last evaluated: 2024-02-05. Review status: criteria provided, single submitter. Criteria: Invitae Variant Classification Sherloc (09022015). Collection method: clinical testing. Allele origin: germline.
Comment: This sequence change replaces glutamine, which is neutral and polar, with lysine, which is basic and polar, at codon 170 of the POLR1A protein (p.Gln170Lys). This variant is present in population databases (rs780936961, gnomAD 0.009%). This variant has not been reported in the literature in individuals affected with POLR1A-related conditions. Advanced modeling of protein sequence and biophysical properties (such as structural, functional, and spatial information, amino acid conservation, physicochemical variation, residue mobility, and thermodynamic stability) performed at Invitae indicates that this missense variant is not expected to disrupt POLR1A protein function with a negative predictive value of 80%. In summary, the available evidence is currently insufficient to determine the role of this variant in disease. Therefore, it has been classified as a Variant of Uncertain Significance.

NM_015425.6(POLR1A):c.508C>A (p.Gln170Lys)

Gene: POLR1A (RNA polymerase I subunit A; minus strand). Cytogenetic location: 2p11.2.
Variant type: single nucleotide variant.
Coding change: c.508C>A on transcript NM_015425.6 (MANE Select); coding-DNA position 508, C replaced by A.
Protein change: p.Gln170Lys; replaces glutamine 170 with lysine.
Molecular consequence: missense variant.
Genome position (GRCh38, 1-based): chr2:86,089,854, G>T on the plus strand (C>A on the coding strand, the complement: POLR1A is on the minus strand). VCF-style: chr2-86089854-G-T. GRCh37 (hg19) VCF-style: chr2-86316977-G-T.
Other names: short protein forms Q170K.
Identifiers: ClinVar variation 3682686 (VCV003682686.2).
Genomic context (GRCh38, chr2:86,089,854, plus strand): 5'-GCATGGGAGAAAGACAGTGTTAACTCACATGTGCGCCCTGGGACCCCAGGAGGTTGTTCT[G>T]CACAATTTCAGTTGTGTATTGTTCTAATTCCTCCCGAATTTCAGAGGCAGAGGGATCGGG-3'
Protein context (NP_056240.2, residues 160-180): ELEQYTTEIV[Gln170Lys]NNLLGSQGAH